The following is an entry in ClinVar:

ClinVar aggregate classification (germline): Conflicting classifications of pathogenicity. Review status: criteria provided, conflicting classifications (1 of 4 stars). 5 submissions from 5 submitters: Uncertain significance (1); Benign (1); Likely benign (3). Last evaluated 2026-07-31.

Conditions:
FREM1-related disorder. Also called: FREM1-related condition; FREM1-Related Disorders.
Oculotrichoanal syndrome (MOTA). Also called: MARLES SYNDROME; Manitoba Oculotrichoanal (MOTA) Syndrome. Identifiers: Orphanet 2717, MedGen C1855425, MONDO:0009560, OMIM 248450.

Allele frequency attached by ClinVar (database versions not stated): ESP Exome Variant Server 0.00008; gnomAD 0.00009 and 0.00017; TOPMed 0.00011; 1000 Genomes Project 30x 0.00047; 1000 Genomes Project 0.00060; ExAC 0.00081.

Submissions (5):

PreventionGenetics, part of Exact Sciences
Classification: Likely benign for FREM1-related condition. Last evaluated: 2026-07-31. Review status: criteria provided, single submitter. Criteria: ACMG Guidelines, 2015. Collection method: clinical testing. Allele origin: germline.
Comment: This variant is classified as likely benign based on ACMG/AMP sequence variant interpretation guidelines (Richards et al. 2015 PMID: 25741868, with internal and published modifications).

Labcorp Genetics (formerly Invitae), Labcorp
Classification: Benign. Last evaluated: 2026-01-24. Review status: criteria provided, single submitter. Criteria: Invitae Variant Classification Sherloc (09022015). Collection method: clinical testing. Allele origin: germline.

Blueprint Genetics
Classification: Likely benign. Last evaluated: 2024-10-30. Review status: criteria provided, single submitter. Criteria: ACMG Guidelines, 2015. Collection method: clinical testing. Allele origin: germline.

Illumina Laboratory Services, Illumina
Classification: Likely benign for Oculotrichoanal syndrome. Last evaluated: 2018-01-12. Review status: criteria provided, single submitter. Criteria: ICSL Variant Classification Criteria 13 December 2019. Collection method: clinical testing. Allele origin: germline.
Comment: This variant was observed in the ICSL laboratory as part of a predisposition screen in an ostensibly healthy population. It had not been previously curated by ICSL or reported in the Human Gene Mutation Database (HGMD: prior to June 1st, 2018), and was therefore a candidate for classification through an automated scoring system. Utilizing variant allele frequency, disease prevalence and penetrance estimates, and inheritance mode, an automated score was calculated to assess if this variant is too frequent to cause the disease. Based on the score and internal cut-off values, a variant classified as likely benign is not then subjected to further curation. The score for this variant resulted in a classification of likely benign for this disease.

Eurofins Ntd Llc (ga)
Classification: Uncertain significance. Last evaluated: 2015-03-11. Review status: criteria provided, single submitter. Criteria: EGL Classification Definitions 2015. Collection method: clinical testing. Allele origin: germline. Observed: 1 variant allele, 1 heterozygote.

NM_001379081.2(FREM1):c.571G>A (p.Gly191Arg)

Gene: FREM1 (FRAS1 related extracellular matrix 1; minus strand). Cytogenetic location: 9p22.3.
Variant type: single nucleotide variant.
Coding change: c.571G>A on transcript NM_001379081.2 (MANE Select); coding-DNA position 571, G replaced by A.
Protein change: p.Gly191Arg; replaces glycine 191 with arginine.
Molecular consequence: missense variant. On other transcripts: non-coding transcript variant (4).
Genome position (GRCh38, 1-based): chr9:14,859,243, C>T on the plus strand (G>A on the coding strand, the complement: FREM1 is on the minus strand). VCF-style: chr9-14859243-C-T. GRCh37 (hg19) VCF-style: chr9-14859241-C-T.
Other names: c.571G>A, p.Gly191Arg (NM_001370060.1, NM_001370063.1, NM_001370065.1 and 1 more transcripts); short protein forms G191R.
Identifiers: ClinVar variation 197872 (VCV000197872.19), dbSNP rs370556388, ClinGen allele CA246256.
Genomic context (GRCh38, chr9:14,859,243, plus strand): 5'-GGGACTCTGGGAAAAAACTGTGTGGCTGATCTCCACGAGGTTCTTCTGGTCGAGGCTCCC[C>T]GAGAACCATCTGGCCATGGGCTGGCAGCCGAGTTCTCGCAGTGTCCAGGCTGACGGTACA-3'
Protein context (NP_001366010.1, residues 181-201): RLPAHGQMVL[Gly191Arg]EPRPEEPRGD